The following is an entry in ClinVar:

ClinVar aggregate classification (germline): Pathogenic (1 of 4 stars; one submission).

Submission:

Labcorp Genetics (formerly Invitae), Labcorp
Classification: Pathogenic. Last evaluated: 2025-09-07. Review status: criteria provided, single submitter. Criteria: Invitae Variant Classification Sherloc (09022015). Collection method: clinical testing. Allele origin: germline.
Comment: This sequence change creates a premature translational stop signal (p.Asp586Thrfs*63) in the ABCA4 gene. It is expected to result in an absent or disrupted protein product. Loss-of-function variants in ABCA4 are known to be pathogenic (PMID: 10958761, 24938718, 25312043, 26780318). This variant is not present in population databases (gnomAD no frequency). This premature translational stop signal has been observed in individual(s) with cone-rod dystrophy (PMID: 32619608). For these reasons, this variant has been classified as Pathogenic.

Literature cited by the submitters: PubMed 10958761; PubMed 24938718; PubMed 25312043; PubMed 26780318; PubMed 32619608.

NM_000350.3(ABCA4):c.1755del (p.Asp586fs)

Gene: ABCA4 (ATP binding cassette subfamily A member 4; minus strand). Cytogenetic location: 1p22.1.
Variant type: Deletion.
Coding change: c.1755del on transcript NM_000350.3 (MANE Select); coding-DNA position 1755, one base deleted (A; older notation c.1755delA).
Protein change: p.Asp586fs; shifts the reading frame from aspartic acid 586.
Molecular consequence: frameshift variant.
Genome position (GRCh38, 1-based): chr1:94,063,117, T deleted on the plus strand (A on the coding strand, the reverse complement: ABCA4 is on the minus strand); the first of 3 consecutive T bases (chr1:94,063,117-94,063,119); deleting any one gives the same sequence. VCF-style (leftmost placement, unchanged base first): chr1-94063116-CT-C. GRCh37 (hg19) VCF-style: chr1-94528672-CT-C.
Other names: c.1755del, p.Asp586fs (NM_001425324.1); short protein forms D586fs.
Identifiers: ClinVar variation 4763743 (VCV004763743.1).